The following is an entry in ClinVar:

NM_000169.3(GLA):c.89G>A (p.Arg30Lys)

Genes: GLA (galactosidase alpha; minus strand), RPL36A-HNRNPH2 (RPL36A-HNRNPH2 readthrough; plus strand). Cytogenetic location: Xq22.1.
Variant type: single nucleotide variant.
Coding change: c.89G>A on transcript NM_000169.3 (MANE Select); coding-DNA position 89, G replaced by A.
Protein change: p.Arg30Lys; replaces arginine 30 with lysine.
Molecular consequence: missense variant. On other transcripts: non-coding transcript variant (3), intron variant (2).
Genome position (GRCh38, 1-based): chrX:101,407,815, C>T on the plus strand (G>A on the coding strand, the complement: GLA is on the minus strand). VCF-style: chrX-101407815-C-T. GRCh37 (hg19) VCF-style: chrX-100662803-C-T.
Other names: c.89G>A, p.Arg30Lys (NM_001406747.1, NM_001406748.1, NM_001406749.1); c.301-4121C>T (NM_001199973.2); c.178-4121C>T (NM_001199974.2); short protein forms R30K.
Identifiers: ClinVar variation 4087409 (VCV004087409.2).

ClinVar aggregate classification (germline): Uncertain significance (1 of 4 stars; one submission).

Conditions:
Fabry disease. Also called: ALPHA-GALACTOSIDASE A DEFICIENCY; ANDERSON-FABRY DISEASE; CERAMIDE TRIHEXOSIDASE DEFICIENCY; GLA DEFICIENCY; HEREDITARY DYSTOPIC LIPIDOSIS; Angiokeratoma corporis diffusum. Identifiers: Orphanet 324, MedGen C0002986, MONDO:0010526, OMIM 301500, HP:0001071. Disease mechanism: Fabry disease is due to inactivating mutations in the X-linked GLA gene resulting in deficiency of the enzyme Alpha Galactosidase-A., loss of function.

Submission:

Genomenon, Inc
Classification: Uncertain significance for Fabry disease. Last evaluated: 2026-09-08. Review status: criteria provided, single submitter. Criteria: Genomenon Sequence Variant Interpretation Standards - Updated. Collection method: curation. Allele origin: germline. Affected: no.
Comment: GLA p.Arg30Lys (c.89G>A) is a missense variant that changes the amino acid at codon 30 from Arginine to Lysine. This variant has been reported in the published literature (PMID:34441839;34905550). It is absent or not present at a significant frequency in gnomAD. In silico models predict that this variant is not damaging. In conclusion, we classify GLA p.Arg30Lys (c.89G>A) as a variant of uncertain significance.

Literature cited by the submitters: PubMed 34441839; PubMed 34905550.